The following is an entry in ClinVar:

ClinVar aggregate classification (germline): Uncertain significance. Review status: criteria provided, multiple submitters, no conflicts (2 of 4 stars). 2 submissions from 2 submitters: Uncertain significance (2). Last evaluated 2025-05-01.

Allele frequency attached by ClinVar (database versions not stated): ExAC 0.00001; gnomAD 0.00001; gnomAD exomes 0.00001; TOPMed 0.00002; 1000 Genomes Project 30x 0.00021; 1000 Genomes Project 0.00026.
gnomAD v4.1: 14 of 1,209,697 alleles (0.0012%); highest among the groups gnomAD compares: African/African-American, 0.0035%; no homozygotes.

Submissions (2):

Labcorp Genetics (formerly Invitae), Labcorp
Classification: Uncertain significance. Last evaluated: 2025-05-01. Review status: criteria provided, single submitter. Criteria: Invitae Variant Classification Sherloc (09022015). Collection method: clinical testing. Allele origin: germline.
Comment: This sequence change replaces glycine, which is neutral and non-polar, with serine, which is neutral and polar, at codon 507 of the CLCN4 protein (p.Gly507Ser). This variant is present in population databases (rs200303958, gnomAD no frequency), including at least one homozygous and/or hemizygous individual. This variant has not been reported in the literature in individuals affected with CLCN4-related conditions. ClinVar contains an entry for this variant (Variation ID: 2144805). Invitae Evidence Modeling of protein sequence and biophysical properties (such as structural, functional, and spatial information, amino acid conservation, physicochemical variation, residue mobility, and thermodynamic stability) has been performed for this missense variant. However, the output from this modeling did not meet the statistical confidence thresholds required to predict the impact of this variant on CLCN4 protein function. In summary, the available evidence is currently insufficient to determine the role of this variant in disease. Therefore, it has been classified as a Variant of Uncertain Significance.

GeneDx
Classification: Uncertain significance. Last evaluated: 2024-06-29. Review status: criteria provided, single submitter. Criteria: GeneDx Variant Classification Process June 2021. Collection method: clinical testing. Allele origin: germline. Affected: yes.
Comment: Not observed at significant frequency in large population cohorts (gnomAD); In silico analysis supports that this missense variant has a deleterious effect on protein structure/function; Has not been previously published as pathogenic or benign to our knowledge

NM_001830.4(CLCN4):c.1519G>A (p.Gly507Ser)

Gene: CLCN4 (chloride voltage-gated channel 4; plus strand). Cytogenetic location: Xp22.2.
Variant type: single nucleotide variant.
Coding change: c.1519G>A on transcript NM_001830.4 (MANE Select); coding-DNA position 1519, G replaced by A.
Protein change: p.Gly507Ser; replaces glycine 507 with serine.
Molecular consequence: missense variant.
Genome position (GRCh38, 1-based): chrX:10,212,596, G>A. VCF-style: chrX-10212596-G-A. GRCh37 (hg19) VCF-style: chrX-10180636-G-A.
Other names: c.1519G>A (NM_001830.3); c.1237G>A, p.Gly413Ser (NM_001256944.2); short protein forms G507S, G413S.
Identifiers: ClinVar variation 2144805 (VCV002144805.5), dbSNP rs200303958, ClinGen allele CA10347244.